The following is an entry in ClinVar:

ClinVar aggregate classification (germline): Uncertain significance. Review status: criteria provided, multiple submitters, no conflicts (2 of 4 stars). 2 submissions from 2 submitters: Uncertain significance (2). Last evaluated 2025-06-03.

Conditions:
Inborn genetic diseases. Identifiers: MedGen C0950123, MeSH D030342.

Allele frequency attached by ClinVar (database versions not stated): gnomAD 0.00001.
gnomAD v4.1: 7 of 1,569,650 alleles (0.00045%); highest among the groups gnomAD compares: South Asian, 0.0012%; no homozygotes.

Submissions (2):

Ambry Genetics
Classification: Uncertain significance for Inborn genetic diseases. Last evaluated: 2025-06-03. Review status: criteria provided, single submitter. Criteria: Ambry Variant Classification Scheme 2023. Collection method: clinical testing. Allele origin: germline.

Labcorp Genetics (formerly Invitae), Labcorp
Classification: Uncertain significance. Last evaluated: 2022-03-18. Review status: criteria provided, single submitter. Criteria: Invitae Variant Classification Sherloc (09022015). Collection method: clinical testing. Allele origin: germline.
Comment: This variant has not been reported in the literature in individuals affected with SEPT9-related conditions. Algorithms developed to predict the effect of missense changes on protein structure and function are either unavailable or do not agree on the potential impact of this missense change (SIFT: "Deleterious"; PolyPhen-2: "Possibly Damaging"; Align-GVGD: "Class C0"). In summary, the available evidence is currently insufficient to determine the role of this variant in disease. Therefore, it has been classified as a Variant of Uncertain Significance. This variant is not present in population databases (gnomAD no frequency). This sequence change replaces glycine, which is neutral and non-polar, with serine, which is neutral and polar, at codon 492 of the SEPT9 protein (p.Gly492Ser).

NM_001113491.2(SEPTIN9):c.1528G>A (p.Gly510Ser)

Gene: SEPTIN9 (septin 9; plus strand). Cytogenetic location: 17q25.3.
Variant type: single nucleotide variant.
Coding change: c.1528G>A on transcript NM_001113491.2 (MANE Select); coding-DNA position 1528, G replaced by A.
Protein change: p.Gly510Ser; replaces glycine 510 with serine.
Molecular consequence: missense variant.
Genome position (GRCh38, 1-based): chr17:77,493,031, G>A. VCF-style: chr17-77493031-G-A. GRCh37 (hg19) VCF-style: chr17-75489113-G-A.
Other names: c.1474G>A (NM_006640.4); c.1036G>A, p.Gly346Ser (NM_001113492.2, NM_001113494.1); c.1507G>A, p.Gly503Ser (NM_001113493.2); c.775G>A, p.Gly259Ser (NM_001113495.2, NM_001113496.2, NM_001293697.2 and 1 more transcripts); c.1471G>A, p.Gly491Ser (NM_001293695.2); c.856G>A, p.Gly286Ser (NM_001293696.2); c.1474G>A, p.Gly492Ser (NM_006640.5); short protein forms G259S, G286S, G346S, G491S, G492S, G503S, G510S.
Identifiers: ClinVar variation 2445543 (VCV002445543.5), dbSNP rs867388244, ClinGen allele CA401209999.